The following is an entry in ClinVar:

NM_001943.5(DSG2):c.1768G>A (p.Val590Ile)

Gene: DSG2 (desmoglein 2; plus strand). Cytogenetic location: 18q12.1.
Variant type: single nucleotide variant.
Coding change: c.1768G>A on transcript NM_001943.5 (MANE Select); coding-DNA position 1768, G replaced by A.
Protein change: p.Val590Ile; replaces valine 590 with isoleucine.
Molecular consequence: missense variant.
Genome position (GRCh38, 1-based): chr18:31,538,867, G>A. VCF-style: chr18-31538867-G-A. GRCh37 (hg19) VCF-style: chr18-29118830-G-A.
Other names: short protein forms V590I.
Identifiers: ClinVar variation 2883118 (VCV002883118.4), dbSNP rs2073248446, ClinGen allele CA402137555.

ClinVar aggregate classification (germline): Uncertain significance. Review status: criteria provided, multiple submitters, no conflicts (2 of 4 stars). 2 submissions from 2 submitters: Uncertain significance (2). Last evaluated 2024-04-03.

Conditions:
Cardiovascular phenotype. Identifiers: MedGen CN230736.
Arrhythmogenic right ventricular dysplasia 10. Also called: Arrhythmogenic Right Ventricular Dysplasia/Cardiomyopathy10; ARRHYTHMOGENIC RIGHT VENTRICULAR DYSPLASIA, FAMILIAL, 10; Arrhythmogenic right ventricular dysplasia/cardiomyopathy, type 10. Identifiers: MedGen C1857777, MONDO:0012434, OMIM 610193.

gnomAD v4.1: 6 of 1,614,034 alleles (0.00037%); highest among the groups gnomAD compares: South Asian, 0.0011%; no homozygotes.

Submissions (2):

Ambry Genetics
Classification: Uncertain significance for Cardiovascular phenotype. Last evaluated: 2024-04-03. Review status: criteria provided, single submitter. Criteria: Ambry Variant Classification Scheme 2023. Collection method: clinical testing. Allele origin: germline.
Comment: The p.V590I variant (also known as c.1768G>A), located in coding exon 12 of the DSG2 gene, results from a G to A substitution at nucleotide position 1768. The valine at codon 590 is replaced by isoleucine, an amino acid with highly similar properties. This amino acid position is well conserved in available vertebrate species. In addition, this alteration is predicted to be tolerated by in silico analysis. Based on the available evidence, the clinical significance of this alteration remains unclear.

Labcorp Genetics (formerly Invitae), Labcorp
Classification: Uncertain significance for Arrhythmogenic right ventricular dysplasia 10. Last evaluated: 2022-12-01. Review status: criteria provided, single submitter. Criteria: Invitae Variant Classification Sherloc (09022015). Collection method: clinical testing. Allele origin: germline.
Comment: In summary, the available evidence is currently insufficient to determine the role of this variant in disease. Therefore, it has been classified as a Variant of Uncertain Significance. This sequence change replaces valine, which is neutral and non-polar, with isoleucine, which is neutral and non-polar, at codon 590 of the DSG2 protein (p.Val590Ile). This variant is not present in population databases (gnomAD no frequency). This variant has not been reported in the literature in individuals affected with DSG2-related conditions. Advanced modeling of protein sequence and biophysical properties (such as structural, functional, and spatial information, amino acid conservation, physicochemical variation, residue mobility, and thermodynamic stability) performed at Invitae indicates that this missense variant is not expected to disrupt DSG2 protein function.